The following is an entry in ClinVar:

ClinVar aggregate classification (germline): Uncertain significance (1 of 4 stars; one submission).

Submission:

GeneDx
Classification: Uncertain significance. Last evaluated: 2025-05-19. Review status: criteria provided, single submitter. Criteria: GeneDx Variant Classification Process June 2021. Collection method: clinical testing. Allele origin: germline. Affected: yes.
Comment: Not observed at significant frequency in large population cohorts (gnomAD); In silico analysis supports that this missense variant has a deleterious effect on protein structure/function; Has not been previously published as pathogenic or benign to our knowledge

NM_001370100.5(ZMYND11):c.647T>A (p.Phe216Tyr)

Gene: ZMYND11 (zinc finger MYND-type containing 11; plus strand). Cytogenetic location: 10p15.3.
Variant type: single nucleotide variant.
Coding change: c.647T>A on transcript NM_001370100.5 (MANE Select); coding-DNA position 647, T replaced by A.
Protein change: p.Phe216Tyr; replaces phenylalanine 216 with tyrosine.
Molecular consequence: missense variant. On other transcripts: non-coding transcript variant (1), intron variant (2).
Genome position (GRCh38, 1-based): chr10:239,475, T>A. VCF-style: chr10-239475-T-A. GRCh37 (hg19) VCF-style: chr10-285415-T-A.
Other names: c.485T>A, p.Phe162Tyr (NM_001202464.3, NM_001202466.3, NM_001202467.1 and 8 more transcripts); c.392T>A, p.Phe131Tyr (NM_001202465.3, NM_001370110.2); c.647T>A, p.Phe216Tyr (NM_001202468.1, NM_001370097.3, NM_001370098.2 and 8 more transcripts); c.596T>A, p.Phe199Tyr (NM_001330057.3, NM_001370112.2); c.554T>A, p.Phe185Tyr (NM_001370113.2, NM_001370114.2); c.581T>A, p.Phe194Tyr (NM_001370116.2); c.527T>A, p.Phe176Tyr (NM_001370118.2); c.419T>A, p.Phe140Tyr (NM_001370120.2); and 4 more; short protein forms F122Y, F131Y, F140Y, F162Y, F176Y, F185Y, F194Y, F199Y.
Identifiers: ClinVar variation 4531075 (VCV004531075.1).